The following is an entry in ClinVar:

NM_001159699.2(FHL1):c.794G>A (p.Cys265Tyr)

Gene: FHL1 (four and a half LIM domains 1; plus strand). Cytogenetic location: Xq26.3.
Variant type: single nucleotide variant.
Coding change: c.794G>A on transcript NM_001159699.2 (MANE Select); coding-DNA position 794, G replaced by A.
Protein change: p.Cys265Tyr; replaces cysteine 265 with tyrosine.
Molecular consequence: missense variant. On other transcripts: non-coding transcript variant (1).
Genome position (GRCh38, 1-based): chrX:136,209,928, G>A. VCF-style: chrX-136209928-G-A. GRCh37 (hg19) VCF-style: chrX-135292087-G-A.
Other names: c.746G>A, p.Cys249Tyr (NM_001159700.2, NM_001159704.1, NM_001167819.1 and 4 more transcripts); c.833G>A, p.Cys278Tyr (NM_001159701.2); c.946G>A, p.Ala316Thr (NM_001159702.3, NM_001369326.1, NM_001369327.2 and 1 more transcripts); c.559G>A, p.Ala187Thr (NM_001159703.2); c.607G>A, p.Ala203Thr (NM_001330659.2); short protein forms A316T, C278Y, A203T, A187T, C249Y, C265Y.
Identifiers: ClinVar variation 1345510 (VCV001345510.6), dbSNP rs56391414, ClinGen allele CA336096626.

ClinVar aggregate classification (germline): Uncertain significance (1 of 4 stars; one submission).

Conditions:
X-linked myopathy with postural muscle atrophy. Also called: FHL1-Related Emery-Dreifuss Muscular Dystrophy, X-Linked. Identifiers: Orphanet 178461, MedGen C2678055, MONDO:0010401, OMIM 300696.

Submission:

Labcorp Genetics (formerly Invitae), Labcorp
Classification: Uncertain significance for X-linked myopathy with postural muscle atrophy. Last evaluated: 2021-10-19. Review status: criteria provided, single submitter. Criteria: Invitae Variant Classification Sherloc (09022015). Collection method: clinical testing. Allele origin: germline.
Comment: In summary, the available evidence is currently insufficient to determine the role of this variant in disease. Therefore, it has been classified as a Variant of Uncertain Significance. Algorithms developed to predict the effect of missense changes on protein structure and function are either unavailable or do not agree on the potential impact of this missense change (SIFT: "Deleterious"; PolyPhen-2: "Probably Damaging"; Align-GVGD: "Class C0"). This variant has not been reported in the literature in individuals affected with FHL1-related conditions. This variant is not present in population databases (gnomAD no frequency). This sequence change replaces cysteine, a(n) neutral and slightly polar amino acid, with tyrosine, a(n) neutral and polar amino acid, at codon 249 of the FHL1 protein (p.Cys249Tyr).